The following is an entry in ClinVar:

NM_005502.4(ABCA1):c.1759C>T (p.Arg587Trp)

Gene: ABCA1 (ATP binding cassette subfamily A member 1; minus strand). Cytogenetic location: 9q31.1.
Variant type: single nucleotide variant.
Coding change: c.1759C>T on transcript NM_005502.4 (MANE Select); coding-DNA position 1759, C replaced by T.
Protein change: p.Arg587Trp; replaces arginine 587 with tryptophan.
Molecular consequence: missense variant.
Genome position (GRCh38, 1-based): chr9:104,831,058, G>A on the plus strand (C>T on the coding strand, the complement: ABCA1 is on the minus strand). VCF-style: chr9-104831058-G-A. GRCh37 (hg19) VCF-style: chr9-107593339-G-A.
Other names: short protein forms R587W.
Identifiers: ClinVar variation 632033 (VCV000632033.9), dbSNP rs2853574, ClinGen allele CA5168913.

ClinVar aggregate classification (germline): Pathogenic/Likely pathogenic. Review status: criteria provided, multiple submitters, no conflicts (2 of 4 stars). 5 submissions from 5 submitters: Pathogenic (2); Likely pathogenic (2). 1 of the submissions does not count toward it. Last evaluated 2025-10-08.

Conditions:
Autosomal dominant and autosomal recessive ABCA1-related disorders.
ABCA1-related disorder. Also called: ABCA1-related disorders; ABCA1-related condition. Identifiers: MedGen CN239173.
Tangier disease (TGD). Also called: Cholesterol thesaurismosis; HIGH DENSITY LIPOPROTEIN DEFICIENCY, TANGIER TYPE; HIGH DENSITY LIPOPROTEIN DEFICIENCY, TYPE 1. Identifiers: Orphanet 31150, MedGen C0039292, MONDO:0008783, OMIM 205400.

Allele frequency attached by ClinVar (database versions not stated): gnomAD exomes 0.00002 and 0.00003; ExAC 0.00003; gnomAD 0.00004.
gnomAD v4.1: 50 of 1,610,888 alleles (0.0031%); highest among the groups gnomAD compares: East Asian, 0.009%; no homozygotes.

Submissions (5):

Labcorp Genetics (formerly Invitae), Labcorp
Classification: Pathogenic. Last evaluated: 2025-10-08. Review status: criteria provided, single submitter. Criteria: Invitae Variant Classification Sherloc (09022015). Collection method: clinical testing. Allele origin: germline.
Comment: This sequence change replaces arginine, which is basic and polar, with tryptophan, which is neutral and slightly polar, at codon 587 of the ABCA1 protein (p.Arg587Trp). This variant is present in population databases (rs2853574, gnomAD 0.008%). This missense change has been observed in individuals with Tangier disease (PMID: 11257260, 18625867, 19019193). This variant is also known as R527W. ClinVar contains an entry for this variant (Variation ID: 632033). Invitae Evidence Modeling of protein sequence and biophysical properties (such as structural, functional, and spatial information, amino acid conservation, physicochemical variation, residue mobility, and thermodynamic stability) indicates that this missense variant is expected to disrupt ABCA1 protein function with a positive predictive value of 80%. Experimental studies have shown that this missense change affects ABCA1 function (PMID: 12084722, 12509412, 16873719, 18776170, 21860089). For these reasons, this variant has been classified as Pathogenic.

Variantyx, Inc.
Classification: Likely pathogenic for Autosomal dominant and autosomal recessive ABCA1-related disorders. Last evaluated: 2025-04-03. Review status: criteria provided, single submitter. Criteria: Variantyx Assertion Criteria 2022. Collection method: clinical testing. Allele origin: germline. Inheritance: Autosomal recessive inheritance.
Comment: This is a nonsynonymous variant in the ABCA1 gene (OMIM: 600046). Pathogenic variants in this gene have been associated with autosomal dominant and autosomal recessive ABCA1-related disorders. This variant has been identified in the homozygous or compound heterozygous state in at least 2 individuals with Tangier disease reported in the published literature (PMID: 18625867, 10525055). This variant has been reported in at least 2 unrelated individuals with low (below 10th percentile) HDL-C levels (PMID: 11257260, 30333156) (PS4). Functional studies have shown that this variant alters ABCA1 protein function (PMID: 12084722, 12509412, 16873719, 18776170, 21860089) (PS3), and multiple computational algorithms predict a deleterious effect for this variant (REVEL score: 0.954) (PP3). This variant has a 0.0090% maximum allele frequency in non-founder control populations. Based on the current evidence, this variant is classified as likely pathogenic for autosomal dominant primary hypoalphalipoproteinemia-1 and autosomal recessive Tangier disease.

GeneDx
Classification: Likely pathogenic. Last evaluated: 2023-11-24. Review status: criteria provided, single submitter. Criteria: GeneDx Variant Classification Process June 2021. Collection method: clinical testing. Allele origin: germline. Affected: yes.
Comment: In silico analysis supports that this missense variant has a deleterious effect on protein structure/function; This variant is associated with the following publications: (PMID: 21860089, 18625867, 10525055, 12509412, 16873719, 18776170, 34662886, 30333156, 11257260)

Illumina Laboratory Services, Illumina
Classification: Pathogenic for ABCA1-Related Disorders. Last evaluated: 2019-01-11. Review status: criteria provided, single submitter. Criteria: ICSL Variant Classification Criteria 09 May 2019. Collection method: clinical testing. Allele origin: germline.
Comment: The ABCA1 c.1759C>T (p.Arg587Trp) missense variant has been identified in four studies in which it is found in four individuals affected with ABCA1-related disorders such as Tangier disease and HDL deficiency, including two each in a homozygous and compound heterozygous state (Lawn et al. 1999; ThÃ©audin et al. 2008; Bertolini et al. 2001; Pisciotta et al. 2009). In the study by Bertolini et al. (2001), the mother and son of the proband who were heterozygous carriers of the variant were shown to have reduced levels of HDL-cholesterol (HDL-C). Similarly, Pisciotta et al. (2009) identified the p.Arg587Trp variant in a heterozygous state in five family members, three of whom had HDL-C levels below the 15th percentile of the distribution in the population. The variant was absent from 480 control alleles and is reported at a frequency of 0.000023 in the European (non-Finnish) population of the Genome Aggregation Database. Functional studies demonstrated that ABCA1-mediated cholesterol efflux was abolished in fibroblasts homozygous for the variant with an observed increase in membrane cholesterol concentration. These cells also showed reduced ABCA1 protein content (Pisciotta et al. 2009). The variant was shown to prevent the localization of the protein to the plasma membrane (Singaraja al. 2006) and cause a 50% reduction in cross-linking to the ABCA1 ligand, apoA-I (Fitzgerald et al. 2002). Based on the collective evidence, the p.Arg587Trp variant is classified as pathogenic for ABCA1-related disorders. This variant was observed by ICSL as part of a predisposition screen in an ostensibly healthy population.

Cardiovascular Genetics Laboratory, PathWest Laboratory Medicine WA - Fiona Stanley Hospital
Classification: Pathogenic for Tangier disease. Last evaluated: 2021-07-30. Review status: no assertion criteria provided. Criteria: ACMG Guidelines, 2015. Collection method: clinical testing. Allele origin: germline. Not counted in ClinVar's aggregate classification.

Literature cited by the submitters: PubMed 11257260 (cited by 3 submitters); PubMed 18625867 (cited by 3 submitters); PubMed 19019193 (cited by Labcorp Genetics (formerly Invitae), Labcorp and Illumina Laboratory Services, Illumina); PubMed 12084722 (cited by 3 submitters); PubMed 12509412 (cited by Labcorp Genetics (formerly Invitae), Labcorp and Variantyx, Inc.); PubMed 16873719 (cited by 3 submitters); PubMed 18776170 (cited by Labcorp Genetics (formerly Invitae), Labcorp and Variantyx, Inc.); PubMed 21860089 (cited by Labcorp Genetics (formerly Invitae), Labcorp and Variantyx, Inc.); PubMed 30333156 (cited by Variantyx, Inc.); PubMed 10525055 (cited by Variantyx, Inc. and Illumina Laboratory Services, Illumina).